The following is an entry in ClinVar:

NM_001903.5(CTNNA1):c.2232T>G (p.Ser744Arg)

Gene: CTNNA1 (catenin alpha 1; plus strand). Cytogenetic location: 5q31.2.
Variant type: single nucleotide variant.
Coding change: c.2232T>G on transcript NM_001903.5 (MANE Select); coding-DNA position 2232, T replaced by G.
Protein change: p.Ser744Arg; replaces serine 744 with arginine.
Molecular consequence: missense variant.
Genome position (GRCh38, 1-based): chr5:138,930,869, T>G. VCF-style: chr5-138930869-T-G. GRCh37 (hg19) VCF-style: chr5-138266558-T-G.
Other names: c.2232T>G, p.Ser744Arg (NM_001290307.3, NM_001323982.2, NM_001323983.1 and 2 more transcripts); c.1923T>G, p.Ser641Arg (NM_001290309.3); c.1863T>G, p.Ser621Arg (NM_001290310.3); c.1122T>G, p.Ser374Arg (NM_001290312.1, NM_001323987.1, NM_001323988.1 and 17 more transcripts); c.2139T>G, p.Ser713Arg (NM_001323986.2); c.783T>G, p.Ser261Arg (NM_001324006.1, NM_001324007.1, NM_001324008.1 and 2 more transcripts); c.1029T>G, p.Ser343Arg (NM_001324011.1); c.879T>G, p.Ser293Arg (NM_001324012.1, NM_001324013.1); short protein forms S261R, S293R, S343R, S374R, S621R, S641R, S713R, S744R.
Identifiers: ClinVar variation 1025578 (VCV001025578.8), dbSNP rs1765153405, ClinGen allele CA361133831.
Genomic context (GRCh38, chr5:138,930,869, plus strand): 5'-TGTTCTCTTCCCTCTTCTCAGAGGTAAAGGACCACTCAAAAATACATCGGATGTCATCAG[T>G]GCTGCCAAGAAAATTGCTGAGGCAGGATCCAGGATGGACAAGCTTGGCCGCACCATTGCA-3'
Protein context (NP_001894.2, residues 734-754): GPLKNTSDVI[Ser744Arg]AAKKIAEAGS

ClinVar aggregate classification (germline): Uncertain significance (1 of 4 stars; one submission).

Submission:

Labcorp Genetics (formerly Invitae), Labcorp
Classification: Uncertain significance. Last evaluated: 2020-07-26. Review status: criteria provided, single submitter. Criteria: Invitae Variant Classification Sherloc (09022015). Collection method: clinical testing. Allele origin: germline.
Comment: In summary, the available evidence is currently insufficient to determine the role of this variant in disease. Therefore, it has been classified as a Variant of Uncertain Significance. Algorithms developed to predict the effect of missense changes on protein structure and function are either unavailable or do not agree on the potential impact of this missense change (SIFT: "Deleterious"; PolyPhen-2: "Benign"; Align-GVGD: "Class C0"). This variant has not been reported in the literature in individuals with CTNNA1-related conditions. This variant is not present in population databases (ExAC no frequency). This sequence change replaces serine with arginine at codon 744 of the CTNNA1 protein (p.Ser744Arg). The serine residue is highly conserved and there is a moderate physicochemical difference between serine and arginine.